The following is an entry in ClinVar:

NM_001193315.2(VIPAS39):c.848C>T (p.Ser283Leu)

Gene: VIPAS39 (VPS33B interacting protein, apical-basolateral polarity regulator, spe-39 homolog; minus strand). Cytogenetic location: 14q24.3.
Variant type: single nucleotide variant.
Coding change: c.848C>T on transcript NM_001193315.2 (MANE Select); coding-DNA position 848, C replaced by T.
Protein change: p.Ser283Leu; replaces serine 283 with leucine.
Molecular consequence: missense variant. On other transcripts: non-coding transcript variant (1), intron variant (1).
Genome position (GRCh38, 1-based): chr14:77,435,908, G>A on the plus strand (C>T on the coding strand, the complement: VIPAS39 is on the minus strand). VCF-style: chr14-77435908-G-A. GRCh37 (hg19) VCF-style: chr14-77902251-G-A.
Other names: c.848C>T, p.Ser283Leu (NM_001193314.2, NM_001193317.2, NM_001400326.1 and 6 more transcripts); c.701C>T, p.Ser234Leu (NM_001193316.2, NM_001400324.1, NM_001400325.1); c.815C>T, p.Ser272Leu (NM_001400327.1); c.755C>T, p.Ser252Leu (NM_001400333.1, NM_001400334.1); c.608C>T, p.Ser203Leu (NM_001400337.1); c.746C>T, p.Ser249Leu (NM_001400338.1); c.763-1605C>T (NM_001400339.1); short protein forms S203L, S249L, S234L, S272L, S283L, S252L.
Identifiers: ClinVar variation 4987791 (VCV004987791.1).

ClinVar aggregate classification (germline): Uncertain significance (1 of 4 stars; one submission).

Conditions:
VIPAS39-related disorder. Also called: VIPAS39-related condition.

gnomAD v4.1: 1 of 1,614,132 alleles (0.000062%); highest among the groups gnomAD compares: Admixed American, 0.0017%; no homozygotes.

Submission:

PreventionGenetics, part of Exact Sciences
Classification: Uncertain significance for VIPAS39-related condition. Last evaluated: 2026-08-09. Review status: criteria provided, single submitter. Criteria: ACMG Guidelines, 2015. Collection method: clinical testing. Allele origin: germline.
Comment: The VIPAS39 c.848C>T variant is predicted to result in the amino acid substitution p.Ser283Leu. To our knowledge, this variant has not been reported in the literature. This variant is reported in 0.0029% of alleles in individuals of Latino descent in gnomAD. At this time, the clinical significance of this variant is uncertain due to the absence of conclusive functional and genetic evidence.